The following is an entry in ClinVar:

ClinVar aggregate classification (germline): Pathogenic. Review status: reviewed by expert panel (3 of 4 stars). 3 submissions from 3 submitters: Pathogenic (1). 2 of the submissions do not count toward it. Last evaluated 2026-01-23.

Conditions:
Autosomal recessive limb-girdle muscular dystrophy. Identifiers: Orphanet 102015, MedGen C2931907, MONDO:0015152.
Autosomal recessive limb-girdle muscular dystrophy type 2B (LGMDR2). Also called: Limb-girdle muscular dystrophy, type 2B; MUSCULAR DYSTROPHY, LIMB-GIRDLE, AUTOSOMAL RECESSIVE 2; Limb-Girdle Muscular Dystrophy Type 2B (LGMD2B); MUSCULAR DYSTROPHY, LIMB-GIRDLE, TYPE 3. Identifiers: Orphanet 268, MedGen C1850889, MONDO:0009676, OMIM 253601.

Allele frequency attached by ClinVar (database versions not stated): ExAC 0.00001; gnomAD exomes below 0.00001.

Submissions (3):

ClinGen Limb Girdle Muscular Dystrophy Variant Curation Expert Panel, ClinGen
Classification: Pathogenic for Autosomal recessive limb-girdle muscular dystrophy. Last evaluated: 2026-01-23. Review status: reviewed by expert panel. Criteria: ClinGen LGMD VCEP ACMG Specifications DYSF V2.0.0. Collection method: curation. Allele origin: germline. Inheritance: Autosomal recessive inheritance.
Comment: The NM_003494.4: c.1397+2dup variant in DYSF, which is also known as NM_001130987.2: c.1493+2dup, occurs within the splice donor region of intron 15 and has a SpliceAI score of 0.83 for donor loss (PP3). This variant has been reported in at least five individuals with clinically suspected LGMD (PMID: 30564623, 33250842, 36580222, Jain Foundation Dysferlin Registry internal data communication), including in unknown phase with a pathogenic variant in one patient (NM_003494.4: c.206T>G p.(Val69Gly), 0.5 pts) and in a homozygous state in two individuals (1.0 pt, Jain Foundation Dysferlin Registry internal data communication). At least two additional individuals had this variant with the same second variant, which is independently classified as likely pathogenic when not counting these cases (NM_003494.4: c.342+1del, 0.25 pts each, PMID: 36580222; Jain Foundation Dysferlin Registry internal data communication) (PM3_Strong). At least one patient with this variant and clinically suspected LGMD displayed disease range dysferlin protein expression, which is highly specific for DYSF-related LGMD (PMID: 36580222; Jain Foundation Dysferlin Registry internal data communication; PP4_Strong). The filtering allele frequency of this variant is 0.000085128 (the upper threshold of the 95% CI of 3/91080 South Asian chromosomes) in gnomAD v4.1.0, which is less than the ClinGen LGMD VCEP threshold (≤0.0001) (PM2_Supporting). In summary, this variant meets the criteria to be classified as Pathogenic for autosomal recessive limb girdle muscular dystrophy based on the ACMG/AMP criteria applied, as specified by the ClinGen LGMD VCEP (specifications v2.0.0; 01/23/2026): PM3_Strong, PP4_Strong, PP3, PM2_Supporting.

Revvity Omics, Revvity
Classification: Likely pathogenic. Last evaluated: 2024-10-03. Review status: criteria provided, single submitter. Criteria: ACMG Guidelines, 2015. Collection method: clinical testing. Allele origin: germline. Not counted in ClinVar's aggregate classification.

Foundation for Research in Genetics and Endocrinology, FRIGE's Institute of Human Genetics
Classification: Uncertain significance for Autosomal recessive limb-girdle muscular dystrophy type 2B. Last evaluated: 2017-12-18. Review status: no assertion criteria provided. Collection method: clinical testing. Allele origin: germline. Inheritance: Autosomal recessive inheritance. Affected: yes. Observed: 1 variant allele, 1 compound heterozygote. Not counted in ClinVar's aggregate classification.
Comment: The observed variant c.1397+2dupT is not reported in 1000 Genomes and its minor allele frequency is <0.01% in ExAC databases. The in silico predictions of the variant is disease causing by MutationTaster2.

NM_001130987.2(DYSF):c.1493+2dup

Gene: DYSF (dysferlin; plus strand). Cytogenetic location: 2p13.2.
Variant type: Duplication.
Coding change: c.1493+2dup on transcript NM_001130987.2 (MANE Select); the canonical splice donor site of the intron after coding-DNA position 1493, one base duplicated (T; older notation c.1493+2dupT).
Molecular consequence: splice donor variant.
Genome position (GRCh38, 1-based): chr2:71,535,313, T duplicated. VCF-style (leftmost placement, unchanged base first): chr2-71535312-G-GT. GRCh37 (hg19) VCF-style: chr2-71762442-G-GT.
Other names: c.1490+2dup (NM_001130979.2, NM_001130981.2, NM_001130980.2); c.1397+2dup (NM_001130978.2, NM_003494.4, NM_001130977.2 and 1 more transcripts); c.1493+2dup (NM_001130982.2, NM_001130985.2); c.1400+2dup (NM_001130983.2, NM_001130455.2, NM_001130984.2 and 1 more transcripts); c.1397+2dupT (NM_003494.3).
Identifiers: ClinVar variation 545663 (VCV000545663.6), dbSNP rs753885022, ClinGen allele CA1705770.